The following is an entry in ClinVar:

ClinVar aggregate classification (germline): Pathogenic (0 of 4 stars; one submission).

Conditions:
Heterotaxy, visceral, 12, autosomal (HTX12). Identifiers: MedGen C5676898, MONDO:0859222, OMIM 619702.

Allele frequency attached by ClinVar (database versions not stated): gnomAD 0.00001 and 0.00002; gnomAD exomes 0.00002; 1000 Genomes Project 0.00020; 1000 Genomes Project 30x 0.00031.
gnomAD v4.1: 14 of 702,964 alleles (0.002%); highest among the groups gnomAD compares: African/African-American, 0.0035%; no homozygotes.

Submission:

OMIM
Classification: Pathogenic for HETEROTAXY, VISCERAL, 12, AUTOSOMAL. Last evaluated: 2022-03-15. Review status: no assertion criteria provided. Collection method: literature only. Allele origin: germline.

Literature cited by the submitters: Szenker-Ravi, E. Personal Communication. 2022. Singapore.

NM_001354640.2(CIROP):c.1151C>T (p.Ser384Leu)

Gene: CIROP (ciliated left-right organizer metallopeptidase; minus strand). Cytogenetic location: 14q11.2.
Variant type: single nucleotide variant.
Coding change: c.1151C>T on transcript NM_001354640.2 (MANE Select); coding-DNA position 1151, C replaced by T.
Protein change: p.Ser384Leu; replaces serine 384 with leucine.
Molecular consequence: missense variant.
Genome position (GRCh38, 1-based): chr14:23,102,250, G>A on the plus strand (C>T on the coding strand, the complement: CIROP is on the minus strand). VCF-style: chr14-23102250-G-A. GRCh37 (hg19) VCF-style: chr14-23571459-G-A.
Other names: S329L; c.986C>T (NM_001402427.1); short protein forms S384L.
Identifiers: ClinVar variation 1344488 (VCV001344488.1), dbSNP rs183023758, ClinGen allele CA257764468.
Genomic context (GRCh38, chr14:23,102,250, plus strand): 5'-TGGGCTCCATCAAAGGTAGCAGTCATTAAAGAACCCTGGAGTAGTCTGGCCTCCCAGTGC[G>A]AGGACAGAAGGCCCTCCTGGAGGAGGTGGCAGATGGCTGGTTGTTAGCTGGCTACTCCTT-3'
Protein context (NP_001341569.1, residues 374-394): PLEEEEGLLS[Ser384Leu]HWEARLLQGS